The following is an entry in ClinVar:

NM_003331.5(TYK2):c.905del (p.Asp302fs)

Gene: TYK2 (tyrosine kinase 2; minus strand). Cytogenetic location: 19p13.2.
Variant type: Deletion.
Coding change: c.905del on transcript NM_003331.5 (MANE Select); coding-DNA position 905, one base deleted (A; older notation c.905delA).
Protein change: p.Asp302fs; shifts the reading frame from aspartic acid 302.
Molecular consequence: frameshift variant.
Genome position (GRCh38, 1-based): chr19:10,365,623, T deleted on the plus strand (A on the coding strand, the reverse complement: TYK2 is on the minus strand). VCF-style (leftmost placement, unchanged base first): chr19-10365622-GT-G. GRCh37 (hg19) VCF-style: chr19-10476298-GT-G.
Other names: c.905del, p.Asp302fs (NM_001385197.1, NM_001385198.1, NM_001385199.1 and 8 more transcripts); c.815del, p.Asp272fs (NM_001385205.1); short protein forms D272fs, D302fs.
Identifiers: ClinVar variation 3619403 (VCV003619403.2).

ClinVar aggregate classification (germline): Pathogenic (1 of 4 stars; one submission).

Conditions:
Immunodeficiency 35 (IMD35). Also called: HIES WITH ATYPICAL MYCOBACTERIOSIS, AUTOSOMAL RECESSIVE; HYPER-IgE SYNDROME WITH ATYPICAL MYCOBACTERIOSIS, AUTOSOMAL RECESSIVE; Susceptibility to infection due to TYK2 deficiency; TYK2 DEFICIENCY. Identifiers: Orphanet 331226, MedGen C1969086, MONDO:0012682, OMIM 611521.

Submission:

Labcorp Genetics (formerly Invitae), Labcorp
Classification: Pathogenic for Immunodeficiency 35. Last evaluated: 2024-04-25. Review status: criteria provided, single submitter. Criteria: Invitae Variant Classification Sherloc (09022015). Collection method: clinical testing. Allele origin: germline.
Comment: This sequence change creates a premature translational stop signal (p.Asp302Alafs*17) in the TYK2 gene. It is expected to result in an absent or disrupted protein product. Loss-of-function variants in TYK2 are known to be pathogenic (PMID: 22402565, 26304966). This variant is not present in population databases (gnomAD no frequency). This variant has not been reported in the literature in individuals affected with TYK2-related conditions. For these reasons, this variant has been classified as Pathogenic.

Literature cited by the submitters: PubMed 22402565; PubMed 26304966.